The following is an entry in ClinVar:

NM_007294.4(BRCA1):c.962G>A (p.Trp321Ter)

Gene: BRCA1 (BRCA1 DNA repair associated; minus strand). Cytogenetic location: 17q21.31.
Variant type: single nucleotide variant.
Coding change: c.962G>A on transcript NM_007294.4 (MANE Select); coding-DNA position 962, G replaced by A.
Protein change: p.Trp321Ter; replaces tryptophan 321 with a stop codon.
Molecular consequence: nonsense. On other transcripts: intron variant (137).
Genome position (GRCh38, 1-based): chr17:43,094,569, C>T on the plus strand (G>A on the coding strand, the complement: BRCA1 is on the minus strand). VCF-style: chr17-43094569-C-T. GRCh37 (hg19) VCF-style: chr17-41246586-C-T.
Other names: p.W321*:TGG>TAG; 1081G>A; c.749G>A, p.Trp250Ter (NM_001407571.1, NM_001407853.1, NM_001407894.1 and 9 more transcripts); c.962G>A, p.Trp321Ter (NM_001407581.1, NM_001407582.1, NM_001407583.1 and 30 more transcripts); c.959G>A, p.Trp320Ter (NM_001407587.1, NM_001407590.1, NM_001407591.1 and 22 more transcripts); c.953G>A, p.Trp318Ter (NM_001407646.1, NM_001407647.1); c.839G>A, p.Trp280Ter (NM_001407648.1, NM_001407664.1, NM_001407665.1 and 19 more transcripts); c.836G>A, p.Trp279Ter (NM_001407649.1, NM_001407670.1, NM_001407671.1 and 11 more transcripts); and 42 more; short protein forms W321*, W274*, W209*, W210*, W232*, W233*, W254*, W279*.
Identifiers: ClinVar variation 37712 (VCV000037712.48), dbSNP rs80357292, ClinGen allele CA003986.

ClinVar aggregate classification (germline): Pathogenic. Review status: reviewed by expert panel (3 of 4 stars). 23 submissions from 22 submitters: Pathogenic (1). 22 of the submissions do not count toward it. Last evaluated 2016-09-08.

Conditions:
Breast-ovarian cancer, familial, susceptibility to, 1 (BROVCA1). Also called: OVARIAN CANCER, SUSCEPTIBILITY TO; BRCA1 Hereditary Breast and Ovarian Cancer. Identifiers: Orphanet 145, MedGen C2676676, MONDO:0011450, OMIM 604370. Disease mechanism: loss of function.
Pancreatic cancer, susceptibility to, 4. Identifiers: Orphanet 1333, MedGen C3280442, MONDO:0013685, OMIM 614320.
Fanconi anemia, complementation group S (FANCS). Identifiers: MedGen C4554406, MONDO:0054748, OMIM 617883.
Breast and/or ovarian cancer. Identifiers: MedGen CN221562.
Hereditary cancer-predisposing syndrome. Also called: Tumor predisposition; Neoplastic Syndromes, Hereditary; Hereditary Cancer Syndrome; Hereditary neoplastic syndrome. Identifiers: Orphanet 140162, MedGen C0027672, MeSH D009386, MONDO:0015356.
Hereditary breast ovarian cancer syndrome. Also called: Hereditary breast and ovarian cancer syndrome (HBOC); Hereditary breast and ovarian cancer syndrome; Hereditary breast and ovarian cancer; Hereditary breast and/or ovarian cancer syndrome; Breast and ovarian cancer; BRCA1- and BRCA2-Associated Hereditary Breast and Ovarian Cancer. Identifiers: Orphanet 145, MedGen C0677776, MeSH D061325, MONDO:0003582. Disease mechanism: loss of function.
Familial cancer of breast. Also called: Hereditary breast cancer; hereditary breast carcinoma; BREAST CANCER, FAMILIAL. Identifiers: Orphanet 227535, MedGen C0346153, MONDO:0016419, OMIM 114480. Disease mechanism: loss of function.

Allele frequency attached by ClinVar (database versions not stated): gnomAD exomes below 0.00001; ExAC 0.00001.
gnomAD v4.1: 3 of 1,614,130 alleles (0.00019%); highest among the groups gnomAD compares: Non-Finnish European, 0.00017%; no homozygotes.

Submissions 1 to 10 of 23:

Evidence-based Network for the Interpretation of Germline Mutant Alleles (ENIGMA)
Classification: Pathogenic for Breast-ovarian cancer, familial, susceptibility to, 1. Last evaluated: 2016-09-08. Review status: reviewed by expert panel. Criteria: ENIGMA BRCA1/2 Classification Criteria (2015). Collection method: curation. Allele origin: germline.
Comment: Variant allele predicted to encode a truncated non-functional protein.

Labcorp Genetics (formerly Invitae), Labcorp
Classification: Pathogenic for Hereditary breast ovarian cancer syndrome. Last evaluated: 2026-01-19. Review status: criteria provided, single submitter. Criteria: Invitae Variant Classification Sherloc (09022015). Collection method: clinical testing. Allele origin: germline. Not counted in ClinVar's aggregate classification.
Comment: This sequence change creates a premature translational stop signal (p.Trp321*) in the BRCA1 gene. It is expected to result in an absent or disrupted protein product. Loss-of-function variants in BRCA1 are known to be pathogenic (PMID: 20104584). This variant is present in population databases (rs80357292, gnomAD 0.0009%). This premature translational stop signal has been observed in individual(s) with breast and/or ovarian cancer (PMID: 9333265, 10644434, 15382066, 16287141, 16683254, 22535016). This variant is also known as 1081G>A. ClinVar contains an entry for this variant (Variation ID: 37712). For these reasons, this variant has been classified as Pathogenic.

Ambry Genetics
Classification: Pathogenic for Hereditary cancer-predisposing syndrome. Last evaluated: 2025-12-01. Review status: criteria provided, single submitter. Criteria: Ambry Variant Classification Scheme 2023. Collection method: clinical testing. Allele origin: germline. Not counted in ClinVar's aggregate classification.
Comment: The p.W321* pathogenic mutation (also known as c.962G>A), located in coding exon 9 of the BRCA1 gene, results from a G to A substitution at nucleotide position 962. This changes the amino acid from a tryptophan to a stop codon within coding exon 9. This mutation has been reported in multiple families affected with breast cancer (Shattuck-Eidens D et al. JAMA.1997;278(15):1242-50; Oros KK et al. Int J Cancer. 2004;112(3):411-9; Hoyer J et al. BMC Cancer 2018 Sep;18:926). This alteration has also been described as a French-Canadian founder mutation (Janaviius R. EPMA J 2010 Sep;1(3):397-412), and in a large, worldwide study of BRCA1/2 mutation positive families (Rebbeck TR et al. Hum. Mutat. 2018 05;39:593-620). Of note, this alteration is also designated 1081G>A in published literature. In addition to the clinical data presented in the literature, this alteration is expected to result in loss of function by premature protein truncation or nonsense-mediated mRNA decay. As such, this alteration is interpreted as a disease-causing mutation.

Institute of Immunology and Genetics Kaiserslautern
Classification: Pathogenic for Breast-ovarian cancer, familial, susceptibility to, 1. Last evaluated: 2025-08-04. Review status: criteria provided, single submitter. Criteria: ACMG Guidelines, 2015. Collection method: clinical testing. Allele origin: germline. Affected: yes. Not counted in ClinVar's aggregate classification.
Comment: ACMG Criteria: PVS1, PS4, PM2, PP5_M.

GeneDx
Classification: Pathogenic. Last evaluated: 2024-08-23. Review status: criteria provided, single submitter. Criteria: GeneDx Variant Classification Process June 2021. Collection method: clinical testing. Allele origin: germline. Affected: yes. Not counted in ClinVar's aggregate classification.
Comment: Nonsense variant predicted to result in protein truncation or nonsense mediated decay in a gene for which loss of function is a known mechanism of disease; Observed in individuals with a personal or family history consistent with pathogenic variants in this gene (PMID: 9333265, 22006311, 25884701, 26976419, 26787237, 33804961); Truncating variants in this gene are considered pathogenic by a well-established clinical consortium and/or database; Not observed at significant frequency in large population cohorts (gnomAD); Also known as 1081G>A; This variant is associated with the following publications: (PMID: 25722380, 26659639, 34887416, 9333265, 22535016, 25884701, 22006311, 10644434, 26787237, 27150160, 27376475, 26976419, 27836010, 16905680, 28503720, 25525159, 35039532, 32719484, 32885271, 30078507, 29446198, 30720243, 30787465, 32467295, 29922827, 30257646, 28888541, 33804961)

Institute of Human Genetics, University of Leipzig Medical Center
Classification: Pathogenic for Familial cancer of breast. Last evaluated: 2024-07-22. Review status: criteria provided, single submitter. Criteria: ACMG Guidelines, 2015. Collection method: clinical testing. Allele origin: maternal. Inheritance: Autosomal dominant inheritance. Affected: yes. Not counted in ClinVar's aggregate classification.
Comment: Criteria applied: PVS1,PM5_STR,PM2_SUP

Fulgent Genetics
Classification: Pathogenic for Breast-ovarian cancer, familial, susceptibility to, 1; Pancreatic cancer, susceptibility to, 4; Fanconi anemia, complementation group S. Last evaluated: 2024-05-28. Review status: criteria provided, single submitter. Criteria: ACMG Guidelines, 2015. Collection method: clinical testing. Allele origin: germline. Not counted in ClinVar's aggregate classification.

Institute of Human Genetics, University of Leipzig Medical Center
Classification: Pathogenic for Breast-ovarian cancer, familial, susceptibility to, 1. Last evaluated: 2024-04-29. Review status: criteria provided, single submitter. Criteria: ACMG Guidelines, 2015. Collection method: clinical testing. Allele origin: unknown. Inheritance: Autosomal dominant inheritance. Affected: yes. Not counted in ClinVar's aggregate classification.
Comment: the same text as in the submission from Institute of Human Genetics, University of Leipzig Medical Center above.

Women's Health and Genetics/Laboratory Corporation of America, LabCorp
Classification: Pathogenic for Hereditary breast ovarian cancer syndrome. Last evaluated: 2024-03-20. Review status: criteria provided, single submitter. Criteria: LabCorp Variant Classification Summary - May 2015. Collection method: clinical testing. Allele origin: germline. Not counted in ClinVar's aggregate classification.
Comment: Variant summary: BRCA1 c.962G>A (p.Trp321*) results in a premature termination codon, predicted to cause an absence of protein due to nonsense mediated decay, which is a commonly known mechanism for disease. The variant allele was found at a frequency of 4e-06 in 251402 control chromosomes. c.962G>A has been reported in the literature in multiple individuals affected with Hereditary Breast And Ovarian Cancer (example, Kroiss_2005). The following publication has been ascertained in the context of this evaluation (PMID: 16287141). ClinVar contains an entry for this variant (Variation ID: 37712). Based on the evidence outlined above, the variant was classified as pathogenic.

Color Diagnostics, LLC DBA Color Health
Classification: Pathogenic for Hereditary cancer-predisposing syndrome. Last evaluated: 2024-03-05. Review status: criteria provided, single submitter. Criteria: ACMG Guidelines, 2015. Collection method: clinical testing. Allele origin: germline. Not counted in ClinVar's aggregate classification.
Comment: This variant changes 1 nucleotide in exon 10 of the BRCA1 gene, creating a premature translation stop signal. This variant is expected to result in an absent or non-functional protein product. This variant has been observed in individuals and families affected with breast, ovarian and peritoneal cancers (PMID: 9333265, 10644434, 15382066, 16287141, 16683254, 22006311, 22535016, 30257646) and it is described as a recurrent founder mutation in the French-Canadian population (PMID: 23199084). This variant has been identified in 1/251402 chromosomes in the general population by the Genome Aggregation Database (gnomAD). Loss of BRCA1 function is a known mechanism of disease. Based on the available evidence, this variant is classified as Pathogenic.